The following is an entry in ClinVar:

NM_001190274.2(FBXO11):c.2095A>G (p.Ile699Val)

Gene: FBXO11 (F-box protein 11; minus strand). Cytogenetic location: 2p16.3.
Variant type: single nucleotide variant.
Coding change: c.2095A>G on transcript NM_001190274.2 (MANE Select); coding-DNA position 2095, A replaced by G.
Protein change: p.Ile699Val; replaces isoleucine 699 with valine.
Molecular consequence: missense variant.
Genome position (GRCh38, 1-based): chr2:47,813,366, T>C on the plus strand (A>G on the coding strand, the complement: FBXO11 is on the minus strand). VCF-style: chr2-47813366-T-C. GRCh37 (hg19) VCF-style: chr2-48040505-T-C.
Other names: c.1843A>G, p.Ile615Val (NM_001374325.1, NM_025133.4); short protein forms I615V, I699V.
Identifiers: ClinVar variation 4075685 (VCV004075685.1).

ClinVar aggregate classification (germline): Uncertain significance (1 of 4 stars; one submission).

Submission:

GeneDx
Classification: Uncertain significance. Last evaluated: 2025-02-18. Review status: criteria provided, single submitter. Criteria: GeneDx Variant Classification Process June 2021. Collection method: clinical testing. Allele origin: germline. Affected: yes.
Comment: Not observed at significant frequency in large population cohorts (gnomAD); In silico analysis indicates that this missense variant does not alter protein structure/function; Has not been previously published as pathogenic or benign to our knowledge